The following is an entry in ClinVar:

NM_000426.4(LAMA2):c.2325C>G (p.Asn775Lys)

Gene: LAMA2 (laminin subunit alpha 2; plus strand). Cytogenetic location: 6q22.33.
Variant type: single nucleotide variant.
Coding change: c.2325C>G on transcript NM_000426.4 (MANE Select); coding-DNA position 2325, C replaced by G.
Protein change: p.Asn775Lys; replaces asparagine 775 with lysine.
Molecular consequence: missense variant.
Genome position (GRCh38, 1-based): chr6:129,270,626, C>G. VCF-style: chr6-129270626-C-G. GRCh37 (hg19) VCF-style: chr6-129591771-C-G.
Other names: c.2325C>G, p.Asn775Lys (NM_001079823.2); short protein forms N775K.
Identifiers: ClinVar variation 2009319 (VCV002009319.4), dbSNP rs139351727, ClinGen allele CA365608982.
Genomic context (GRCh38, chr6:129,270,626, plus strand): 5'-GCAACATGTTGATCCCTGACACCAAAATAATAAACTCTGATGCTCATTTCTTTCTCAGAA[C>G]TGTAAGGATCACACAGGTGGCCCATATTGTGATAAATGTCTTCCTGGTTTCTATGGCGAG-3'
Protein context (NP_000417.3, residues 765-785): SCDDVTGECL[Asn775Lys]CKDHTGGPYC

ClinVar aggregate classification (germline): Uncertain significance (1 of 4 stars; one submission).

Conditions:
LAMA2-related muscular dystrophy (LAMA2-RD). Also called: Laminin alpha 2-related dystrophy. Identifiers: MedGen C5679788, MONDO:0100228.

Submission:

Labcorp Genetics (formerly Invitae), Labcorp
Classification: Uncertain significance for LAMA2-related muscular dystrophy. Last evaluated: 2022-06-22. Review status: criteria provided, single submitter. Criteria: Invitae Variant Classification Sherloc (09022015). Collection method: clinical testing. Allele origin: germline.
Comment: This sequence change replaces asparagine, which is neutral and polar, with lysine, which is basic and polar, at codon 775 of the LAMA2 protein (p.Asn775Lys). In summary, the available evidence is currently insufficient to determine the role of this variant in disease. Therefore, it has been classified as a Variant of Uncertain Significance. Algorithms developed to predict the effect of sequence changes on RNA splicing suggest that this variant may create or strengthen a splice site. Algorithms developed to predict the effect of missense changes on protein structure and function (SIFT, PolyPhen-2, Align-GVGD) all suggest that this variant is likely to be tolerated. This variant has not been reported in the literature in individuals affected with LAMA2-related conditions. This variant is not present in population databases (gnomAD no frequency).